The following is an entry in ClinVar:

ClinVar aggregate classification (germline): Uncertain significance. Review status: criteria provided, multiple submitters, no conflicts (2 of 4 stars). 2 submissions from 2 submitters: Uncertain significance (2). Last evaluated 2025-07-12.

Conditions:
Inborn genetic diseases. Identifiers: MedGen C0950123, MeSH D030342.
Infantile-onset ascending hereditary spastic paralysis (IAHSP). Also called: Autosomal Recessive Juvenile Amyotrophic Lateral Sclerosis; Infantile-Onset Ascending Hereditary Spastic Paralysis (IAHSP). Identifiers: Orphanet 293168, MedGen C2931441, MONDO:0011797, OMIM 607225. Disease mechanism: loss of function.

Allele frequency attached by ClinVar (database versions not stated): gnomAD 0.00001; gnomAD exomes 0.00001; TOPMed 0.00001.

Submissions (2):

Ambry Genetics
Classification: Uncertain significance for Inborn genetic diseases. Last evaluated: 2025-07-12. Review status: criteria provided, single submitter. Criteria: Ambry Variant Classification Scheme 2023. Collection method: clinical testing. Allele origin: germline.

Labcorp Genetics (formerly Invitae), Labcorp
Classification: Uncertain significance for Infantile-onset ascending hereditary spastic paralysis. Last evaluated: 2022-06-20. Review status: criteria provided, single submitter. Criteria: Invitae Variant Classification Sherloc (09022015). Collection method: clinical testing. Allele origin: germline.
Comment: This sequence change replaces arginine, which is basic and polar, with glutamine, which is neutral and polar, at codon 201 of the ALS2 protein (p.Arg201Gln). This variant is not present in population databases (gnomAD no frequency). This variant has not been reported in the literature in individuals affected with ALS2-related conditions. ClinVar contains an entry for this variant (Variation ID: 1052975). Algorithms developed to predict the effect of missense changes on protein structure and function are either unavailable or do not agree on the potential impact of this missense change (SIFT: "Tolerated"; PolyPhen-2: "Probably Damaging"; Align-GVGD: "Class C0"). In summary, the available evidence is currently insufficient to determine the role of this variant in disease. Therefore, it has been classified as a Variant of Uncertain Significance.

NM_020919.4(ALS2):c.602G>A (p.Arg201Gln)

Gene: ALS2 (alsin Rho guanine nucleotide exchange factor ALS2; minus strand). Cytogenetic location: 2q33.1.
Variant type: single nucleotide variant.
Coding change: c.602G>A on transcript NM_020919.4 (MANE Select); coding-DNA position 602, G replaced by A.
Protein change: p.Arg201Gln; replaces arginine 201 with glutamine.
Molecular consequence: missense variant.
Genome position (GRCh38, 1-based): chr2:201,761,392, C>T on the plus strand (G>A on the coding strand, the complement: ALS2 is on the minus strand). VCF-style: chr2-201761392-C-T. GRCh37 (hg19) VCF-style: chr2-202626115-C-T.
Other names: c.602G>A, p.Arg201Gln (NM_001135745.2); c.602G>A (NM_020919.3); short protein forms R201Q.
Identifiers: ClinVar variation 1052975 (VCV001052975.7), dbSNP rs1476737735, ClinGen allele CA350328504.
Genomic context (GRCh38, chr2:201,761,392, plus strand): 5'-GGGAGGCATTGTACAAGGGCTAAGCTGTGGAAAGCACCACAGGCAACTTGAAGCACCACT[C>T]GCCCAGCAAGATGTTCTACCTTTTGCGGCTTTGTCACTGGGAAGGCAGTGGTAATGAGAC-3'
Protein context (NP_065970.2, residues 191-211): KPQKVEHLAG[Arg201Gln]VVLQVACGAF